The following is an entry in ClinVar:

ClinVar aggregate classification (germline): Uncertain significance (1 of 4 stars; one submission).

Conditions:
Emery-Dreifuss muscular dystrophy 5, autosomal dominant (EDMD5). Also called: EMERY-DREIFUSS MUSCULAR DYSTROPHY 5. Identifiers: Orphanet 261, MedGen C2751805, MONDO:0013072, OMIM 612999.

Submission:

Labcorp Genetics (formerly Invitae), Labcorp
Classification: Uncertain significance for Emery-Dreifuss muscular dystrophy 5, autosomal dominant. Last evaluated: 2018-08-09. Review status: criteria provided, single submitter. Criteria: Invitae Variant Classification Sherloc (09022015). Collection method: clinical testing. Allele origin: germline.
Comment: In summary, the available evidence is currently insufficient to determine the role of this variant in disease. Therefore, it has been classified as a Variant of Uncertain Significance. Algorithms developed to predict the effect of missense changes on protein structure and function (SIFT, PolyPhen-2, Align-GVGD) all suggest that this variant is likely to be tolerated, but these predictions have not been confirmed by published functional studies and their clinical significance is uncertain. This variant has not been reported in the literature in individuals with SYNE2-related disease. This variant is not present in population databases (ExAC no frequency). This sequence change replaces threonine with alanine at codon 5811 of the SYNE2 protein (p.Thr5811Ala). The threonine residue is moderately conserved and there is a small physicochemical difference between threonine and alanine.

NM_182914.3(SYNE2):c.17431A>G (p.Thr5811Ala)

Gene: SYNE2 (spectrin repeat containing nuclear envelope protein 2; plus strand). Cytogenetic location: 14q23.2.
Variant type: single nucleotide variant.
Coding change: c.17431A>G on transcript NM_182914.3 (MANE Select); coding-DNA position 17431, A replaced by G.
Protein change: p.Thr5811Ala; replaces threonine 5811 with alanine.
Molecular consequence: missense variant.
Genome position (GRCh38, 1-based): chr14:64,177,358, A>G. VCF-style: chr14-64177358-A-G. GRCh37 (hg19) VCF-style: chr14-64644076-A-G.
Other names: c.17431A>G, p.Thr5811Ala (NM_015180.6); short protein forms T5811A.
Identifiers: ClinVar variation 658061 (VCV000658061.8), dbSNP rs1596007501, ClinGen allele CA389984349.
Genomic context (GRCh38, chr14:64,177,358, plus strand): 5'-TTTCTACAATTCATTCTAAAGAGCAAAATACTTACCAGTTTTAATCTTGTTTTCAAATAG[A>G]CCTGGGACCAGTGTGAAAAGAAAATCAAGGAGTTGAAAAGCAGGCTGCAAGTTTTAAAGG-3'
Protein context (NP_878918.2, residues 5801-5821): MIKQFQSTVE[Thr5811Ala]WDQCEKKIKE